The following is an entry in ClinVar:

NM_032119.4(ADGRV1):c.4975G>T (p.Glu1659Ter)

Gene: ADGRV1 (adhesion G protein-coupled receptor V1; plus strand). Cytogenetic location: 5q14.3.
Variant type: single nucleotide variant.
Coding change: c.4975G>T on transcript NM_032119.4 (MANE Select); coding-DNA position 4975, G replaced by T.
Protein change: p.Glu1659Ter; replaces glutamic acid 1659 with a stop codon.
Molecular consequence: nonsense. On other transcripts: non-coding transcript variant (1).
Genome position (GRCh38, 1-based): chr5:90,674,099, G>T. VCF-style: chr5-90674099-G-T. GRCh37 (hg19) VCF-style: chr5-89969916-G-T.
Other names: short protein forms E1659*.
Identifiers: ClinVar variation 2631088 (VCV002631088.1), dbSNP rs775893405, ClinGen allele CA360407694.
Genomic context (GRCh38, chr5:90,674,099, plus strand): 5'-TATTTATATTTTTAGGTTCTGAATATATATGTTCTTGATGATGATATTCCTGAACTTAAT[G>T]AGTATTTCCGTGTGACATTGGTTTCTGCAATTCCTGGAGATGGGAAGCTAGGCTCAACTC-3'

ClinVar aggregate classification (germline): Likely pathogenic (1 of 4 stars; one submission).

Conditions:
ADGRV1-related disorder. Also called: ADGRV1-related condition; ADGRV1-related disorders.

Submission:

PreventionGenetics, part of Exact Sciences
Classification: Likely pathogenic for ADGRV1-related condition. Last evaluated: 2023-09-29. Review status: criteria provided, single submitter. Criteria: ACMG Guidelines, 2015. Collection method: clinical testing. Allele origin: germline.
Comment: The ADGRV1 c.4975G>T variant is predicted to result in premature protein termination (p.Glu1659*). To our knowledge, this variant has not been reported in the literature or in a large population database, indicating this variant is rare. Nonsense variants in ADGRV1 are expected to be pathogenic. This variant is interpreted as likely pathogenic.